The following is an entry in ClinVar:

ClinVar aggregate classification (germline): other (1 of 4 stars; one submission).

Conditions:
Cholesteatoma of middle ear. Identifiers: MedGen C0155490, MeSH D018424, MONDO:0006533.

Submission:

Department of Human Genetics, Nagasaki University
Classification: other for Cholesteatoma of middle ear. Review status: criteria provided, single submitter. Criteria: AMP Guidelines, 2017. Collection method: research. Allele origin: somatic. Affected: yes. Observed: 1 variant allele.
Comment: variant allele frequency in tumor is 0.0286 (28/950)

NM_002467.6(MYC):c.223C>A (p.Pro75Thr)

Gene: MYC (MYC proto-oncogene, bHLH transcription factor; plus strand). Cytogenetic location: 8q24.21.
Variant type: single nucleotide variant.
Coding change: c.223C>A on transcript NM_002467.6 (MANE Select); coding-DNA position 223, C replaced by A.
Protein change: p.Pro75Thr; replaces proline 75 with threonine.
Molecular consequence: missense variant.
Genome position (GRCh38, 1-based): chr8:127,738,440, C>A. VCF-style: chr8-127738440-C-A. GRCh37 (hg19) VCF-style: chr8-128750686-C-A.
Other names: c.220C>A, p.Pro74Thr (NM_001354870.1); short protein forms P74T, P75T.
Identifiers: ClinVar variation 2413166 (VCV002413166.1), dbSNP rs2130093441, ClinGen allele CA372279646.